The following is an entry in ClinVar:

NM_198578.4(LRRK2):c.2081T>C (p.Leu694Pro)

Gene: LRRK2 (leucine rich repeat kinase 2; plus strand). Cytogenetic location: 12q12.
Variant type: single nucleotide variant.
Coding change: c.2081T>C on transcript NM_198578.4 (MANE Select); coding-DNA position 2081, T replaced by C.
Protein change: p.Leu694Pro; replaces leucine 694 with proline.
Molecular consequence: missense variant.
Genome position (GRCh38, 1-based): chr12:40,278,101, T>C. VCF-style: chr12-40278101-T-C. GRCh37 (hg19) VCF-style: chr12-40671903-T-C.
Other names: short protein forms L694P.
Identifiers: ClinVar variation 2489410 (VCV002489410.2), dbSNP rs1043499309, ClinGen allele CA235331549.

ClinVar aggregate classification (germline): Uncertain significance (1 of 4 stars; one submission).

Conditions:
Inborn genetic diseases. Identifiers: MedGen C0950123, MeSH D030342.

Allele frequency attached by ClinVar (database versions not stated): gnomAD exomes below 0.00001.
gnomAD v4.1: 2 of 1,614,078 alleles (0.00012%); highest among the groups gnomAD compares: Non-Finnish European, 0.00017%; no homozygotes.

Submission:

Ambry Genetics
Classification: Uncertain significance for Inborn genetic diseases. Last evaluated: 2023-03-14. Review status: criteria provided, single submitter. Criteria: Ambry Variant Classification Scheme 2023. Collection method: clinical testing. Allele origin: germline.
Comment: The p.L694P variant (also known as c.2081T>C), located in coding exon 18 of the LRRK2 gene, results from a T to C substitution at nucleotide position 2081. The leucine at codon 694 is replaced by proline, an amino acid with similar properties. This amino acid position is conserved. In addition, this alteration is predicted to be deleterious by in silico analysis. Since supporting evidence is limited at this time, the clinical significance of this alteration remains unclear.